The following is an entry in ClinVar:

ClinVar aggregate classification (germline): Uncertain significance (1 of 4 stars; one submission).

Allele frequency attached by ClinVar (database versions not stated): gnomAD exomes below 0.00001 and 0.00001; TOPMed below 0.00001.
gnomAD v4.1: 1 of 1,431,906 alleles (0.00007%); highest among the groups gnomAD compares: Admixed American, 0.0024%; no homozygotes.

Submission:

Labcorp Genetics (formerly Invitae), Labcorp
Classification: Uncertain significance. Last evaluated: 2022-03-10. Review status: criteria provided, single submitter. Criteria: Invitae Variant Classification Sherloc (09022015). Collection method: clinical testing. Allele origin: germline.
Comment: This sequence change replaces alanine, which is neutral and non-polar, with serine, which is neutral and polar, at codon 12 of the TRAF3IP1 protein (p.Ala12Ser). The frequency data for this variant in the population databases is considered unreliable, as metrics indicate poor data quality at this position in the gnomAD database. This variant has not been reported in the literature in individuals affected with TRAF3IP1-related conditions. ClinVar contains an entry for this variant (Variation ID: 1017060). Algorithms developed to predict the effect of missense changes on protein structure and function are either unavailable or do not agree on the potential impact of this missense change (SIFT: "Tolerated"; PolyPhen-2: "Possibly Damaging"; Align-GVGD: "Class C0"). In summary, the available evidence is currently insufficient to determine the role of this variant in disease. Therefore, it has been classified as a Variant of Uncertain Significance.

NM_015650.4(TRAF3IP1):c.34G>T (p.Ala12Ser)

Gene: TRAF3IP1 (TRAF3 interacting protein 1; plus strand). Cytogenetic location: 2q37.3.
Variant type: single nucleotide variant.
Coding change: c.34G>T on transcript NM_015650.4 (MANE Select); coding-DNA position 34, G replaced by T.
Protein change: p.Ala12Ser; replaces alanine 12 with serine.
Molecular consequence: missense variant.
Genome position (GRCh38, 1-based): chr2:238,320,696, G>T. VCF-style: chr2-238320696-G-T. GRCh37 (hg19) VCF-style: chr2-239229337-G-T.
Other names: c.34G>T, p.Ala12Ser (NM_001139490.1); short protein forms A12S.
Identifiers: ClinVar variation 1017060 (VCV001017060.6), dbSNP rs1425255419, ClinGen allele CA351239610.